The following is an entry in ClinVar:

ClinVar aggregate classification (germline): Conflicting classifications of pathogenicity. Review status: criteria provided, conflicting classifications (1 of 4 stars). 4 submissions from 4 submitters: Uncertain significance (2); Benign (1). 1 of the submissions does not count toward it. Last evaluated 2023-11-07.

Conditions:
THRA-related disorder. Also called: THRA-related condition.
Congenital nongoitrous hypothyroidism 6. Also called: Congenital nongoitrous hypothryoidism 6. Identifiers: Orphanet 97927, MedGen C3280817, MONDO:0013757, OMIM 614450.

Allele frequency attached by ClinVar (database versions not stated): gnomAD exomes 0.00005 and 0.00009; TOPMed 0.00006; gnomAD 0.00007 and 0.00008; ExAC 0.00009.
gnomAD v4.1: 83 of 1,614,024 alleles (0.0051%); highest among the groups gnomAD compares: Admixed American, 0.01%; no homozygotes.

Submissions (4):

GeneDx
Classification: Uncertain significance. Last evaluated: 2023-11-07. Review status: criteria provided, single submitter. Criteria: GeneDx Variant Classification Process June 2021. Collection method: clinical testing. Allele origin: germline. Affected: yes.
Comment: Canonical splice site variant in a gene or region of a gene for which loss of function is not a well-established mechanism of disease; Has not been previously published as pathogenic or benign to our knowledge; This variant is associated with the following publications: (PMID: 31589614)

Labcorp Genetics (formerly Invitae), Labcorp
Classification: Benign. Last evaluated: 2018-07-16. Review status: criteria provided, single submitter. Criteria: Invitae Variant Classification Sherloc (09022015). Collection method: clinical testing. Allele origin: germline.

Baylor Genetics
Classification: Uncertain significance for Congenital nongoitrous hypothyroidism 6. Review status: criteria provided, single submitter. Criteria: ACMG Guidelines, 2015. Collection method: clinical testing. Allele origin: unknown.

PreventionGenetics, part of Exact Sciences
Classification: Uncertain significance for THRA-related condition. Last evaluated: 2023-10-19. Review status: no assertion criteria provided. Collection method: clinical testing. Allele origin: germline. Not counted in ClinVar's aggregate classification.
Comment: The THRA c.54-1G>A variant is predicted to disrupt the AG splice acceptor site and interfere with normal splicing. This variant was identified in a population study of recessive conditions (Table S1, Capalbo et al 2019. PubMed ID: 31589614), but to our knowledge has not been reported in an individuals with thyroid hormone resistance phenotype. In ClinVar, few canonical splice site variants have been reported in THRA. Careful analysis of the predicted splice effect using prediction algorithms suggest this variant may result in the activation of a cryptic splice acceptor site that results in an in-frame deletion, although such predictions are not equivalent to functional evidence (Alamut Visual Plus v1.6.1). This variant is reported in 0.12% of alleles in individuals of Ashkenazi Jewish descent in gnomAD. At this time, the clinical significance of this variant is uncertain due to the absence of conclusive functional and genetic evidence.

Literature cited by the submitters: PubMed 25326635 (cited by Baylor Genetics).

NM_199334.5(THRA):c.54-1G>A

Gene: THRA (thyroid hormone receptor alpha; plus strand). Cytogenetic location: 17q21.1.
Variant type: single nucleotide variant.
Coding change: c.54-1G>A on transcript NM_199334.5 (MANE Select); the canonical splice acceptor site of the intron before coding-DNA position 54, G replaced by A.
Molecular consequence: splice acceptor variant.
Genome position (GRCh38, 1-based): chr17:40,076,870, G>A. VCF-style: chr17-40076870-G-A. GRCh37 (hg19) VCF-style: chr17-38233123-G-A.
Other names: c.54-1G>A (NM_001190919.2, NM_003250.6, NM_001190918.2 and 1 more transcripts).
Identifiers: ClinVar variation 561132 (VCV000561132.9), dbSNP rs199530759, ClinGen allele CA8539061.
Genomic context (GRCh38, chr17:40,076,870, plus strand): 5'-GGATGAGAAAGGGGCTACTCGAAGACTGCTCTGTGATTCTGCCCACTTTGCCTCCATCCA[G>A]TGCCAGGTCACCAGATGGAAAGCGAAAAAGAAAGAACGGCCAATGTTCCCTGAAAACCAG-3'